The following is an entry in ClinVar:

NM_032444.4(SLX4):c.3955C>T (p.Gln1319Ter)

Gene: SLX4 (SLX4 structure-specific endonuclease subunit; minus strand). Cytogenetic location: 16p13.3.
Variant type: single nucleotide variant.
Coding change: c.3955C>T on transcript NM_032444.4 (MANE Select); coding-DNA position 3955, C replaced by T.
Protein change: p.Gln1319Ter; replaces glutamine 1319 with a stop codon.
Molecular consequence: nonsense.
Genome position (GRCh38, 1-based): chr16:3,589,683, G>A on the plus strand (C>T on the coding strand, the complement: SLX4 is on the minus strand). VCF-style: chr16-3589683-G-A. GRCh37 (hg19) VCF-style: chr16-3639684-G-A.
Other names: short protein forms Q1319*.
Identifiers: ClinVar variation 836359 (VCV000836359.7), dbSNP rs2040556390, ClinGen allele CA394518708.

ClinVar aggregate classification (germline): Pathogenic (1 of 4 stars; one submission).

Conditions:
Fanconi anemia (FA). Also called: Fanconi's anemia. Identifiers: Orphanet 84, MedGen C0015625, MeSH D005199, MONDO:0019391.

Submission:

Labcorp Genetics (formerly Invitae), Labcorp
Classification: Pathogenic for Fanconi anemia. Last evaluated: 2022-10-28. Review status: criteria provided, single submitter. Criteria: Invitae Variant Classification Sherloc (09022015). Collection method: clinical testing. Allele origin: germline.
Comment: For these reasons, this variant has been classified as Pathogenic. ClinVar contains an entry for this variant (Variation ID: 836359). This variant has not been reported in the literature in individuals affected with SLX4-related conditions. This variant is not present in population databases (gnomAD no frequency). This sequence change creates a premature translational stop signal (p.Gln1319*) in the SLX4 gene. It is expected to result in an absent or disrupted protein product. Loss-of-function variants in SLX4 are known to be pathogenic (PMID: 21240277).

Literature cited by the submitters: PubMed 21240277.